The following is an entry in ClinVar:

ClinVar aggregate classification (germline): Uncertain significance. Review status: criteria provided, multiple submitters, no conflicts (2 of 4 stars). 3 submissions from 3 submitters: Uncertain significance (3). Last evaluated 2025-06-07.

Conditions:
Inborn genetic diseases. Identifiers: MedGen C0950123, MeSH D030342.
VPS13A-related neurodegenerative disease. Also called: VPS13A Disease; LEVINE-CRITCHLEY SYNDROME; Choreoacanthocytosis; Chorea-acanthocytosis; ACANTHOCYTOSIS WITH NEUROLOGIC DISORDER; Choreaacanthocytosis. Identifiers: Orphanet 2388, MedGen C0393576, MONDO:0008695, OMIM 200150.

Allele frequency attached by ClinVar (database versions not stated): ExAC 0.00001; gnomAD 0.00001; gnomAD exomes 0.00001 and 0.00002; TOPMed 0.00012.
gnomAD v4.1: 28 of 1,608,794 alleles (0.0017%); highest among the groups gnomAD compares: Admixed American, 0.0034%; no homozygotes.

Submissions (3):

Ambry Genetics
Classification: Uncertain significance for Inborn genetic diseases. Last evaluated: 2025-06-07. Review status: criteria provided, single submitter. Criteria: Ambry Variant Classification Scheme 2023. Collection method: clinical testing. Allele origin: germline.

Department of Pathology and Laboratory Medicine, Sinai Health System
Classification: Uncertain significance for VPS13A-related neurodegenerative disease. Last evaluated: 2023-02-10. Review status: criteria provided, single submitter. Criteria: ACMG Guidelines, 2015. Collection method: research. Allele origin: germline.

Institute of Human Genetics, University of Leipzig Medical Center
Classification: Uncertain significance for VPS13A-related neurodegenerative disease. Last evaluated: 2022-02-02. Review status: criteria provided, single submitter. Criteria: ACMG Guidelines, 2015. Collection method: clinical testing. Allele origin: unknown. Affected: yes.
Comment: _x000D_ Criteria applied: PM2_SUP, PP3

NM_033305.3(VPS13A):c.7489C>T (p.Arg2497Cys)

Gene: VPS13A (vacuolar protein sorting 13 homolog A; plus strand). Cytogenetic location: 9q21.2.
Variant type: single nucleotide variant.
Coding change: c.7489C>T on transcript NM_033305.3 (MANE Select); coding-DNA position 7489, C replaced by T.
Protein change: p.Arg2497Cys; replaces arginine 2497 with cysteine.
Molecular consequence: missense variant.
Genome position (GRCh38, 1-based): chr9:77,353,478, C>T. VCF-style: chr9-77353478-C-T. GRCh37 (hg19) VCF-style: chr9-79968394-C-T.
Other names: c.7372C>T, p.Arg2458Cys (NM_001018037.2); c.7489C>T, p.Arg2497Cys (NM_001018038.3, NM_015186.4); c.7489C>T (NM_033305.2); short protein forms R2458C, R2497C.
Identifiers: ClinVar variation 1342884 (VCV001342884.3), dbSNP rs762732340, ClinGen allele CA5093369.